The following is an entry in ClinVar:

NM_004068.4(AP2M1):c.73G>A (p.Gly25Arg)

Genes: AP2M1 (adaptor related protein complex 2 subunit mu 1; plus strand), LOC123453202 (Sharpr-MPRA regulatory region 464; plus strand). Cytogenetic location: 3q27.1.
Variant type: single nucleotide variant.
Coding change: c.73G>A on transcript NM_004068.4 (MANE Select); coding-DNA position 73, G replaced by A.
Protein change: p.Gly25Arg; replaces glycine 25 with arginine.
Molecular consequence: missense variant.
Genome position (GRCh38, 1-based): chr3:184,177,066, G>A. VCF-style: chr3-184177066-G-A. GRCh37 (hg19) VCF-style: chr3-183894854-G-A.
Other names: c.73G>A, p.Gly25Arg (NM_001025205.2, NM_001311198.2); short protein forms G25R.
Identifiers: ClinVar variation 1285449 (VCV001285449.1), dbSNP rs2109028363, ClinGen allele CA355419662.

ClinVar aggregate classification (germline): Uncertain significance (1 of 4 stars; one submission).

Conditions:
Intellectual developmental disorder 60 with seizures. Also called: MENTAL RETARDATION, AUTOSOMAL DOMINANT 60, WITH SEIZURES; INTELLECTUAL DEVELOPMENTAL DISORDER, AUTOSOMAL DOMINANT 60, WITH SEIZURES. Identifiers: MedGen C5231497, MONDO:0032823, OMIM 618587.

Submission:

Institute of Human Genetics, University of Leipzig Medical Center
Classification: Uncertain significance for Intellectual developmental disorder 60 with seizures. Last evaluated: 2020-11-12. Review status: criteria provided, single submitter. Criteria: ACMG Guidelines, 2015. Collection method: clinical testing. Allele origin: de novo. Affected: yes.
Comment: This variant was identified as de novo (maternity and paternity confirmed).